The following is an entry in ClinVar:

NM_199420.4(POLQ):c.4999A>G (p.Ser1667Gly)

Gene: POLQ (DNA polymerase theta; minus strand). Cytogenetic location: 3q13.33.
Variant type: single nucleotide variant.
Coding change: c.4999A>G on transcript NM_199420.4 (MANE Select); coding-DNA position 4999, A replaced by G.
Protein change: p.Ser1667Gly; replaces serine 1667 with glycine.
Molecular consequence: missense variant.
Genome position (GRCh38, 1-based): chr3:121,487,932, T>C on the plus strand (A>G on the coding strand, the complement: POLQ is on the minus strand). VCF-style: chr3-121487932-T-C. GRCh37 (hg19) VCF-style: chr3-121206779-T-C.
Other names: short protein forms S1667G.
Identifiers: ClinVar variation 3230030 (VCV003230030.1), dbSNP rs2546785270, ClinGen allele CA354092589.

ClinVar aggregate classification (germline): Uncertain significance (1 of 4 stars; one submission).

Submission:

Ambry Genetics
Classification: Uncertain significance. Last evaluated: 2023-10-08. Review status: criteria provided, single submitter. Criteria: Ambry Variant Classification Scheme 2023. Collection method: clinical testing. Allele origin: germline.
Comment: The p.S1667G variant (also known as c.4999A>G), located in coding exon 16 of the POLQ gene, results from an A to G substitution at nucleotide position 4999. The serine at codon 1667 is replaced by glycine, an amino acid with similar properties. This amino acid position is conserved. In addition, this alteration is predicted to be tolerated by in silico analysis. Since supporting evidence is limited at this time, the clinical significance of this alteration remains unclear.